The following is an entry in ClinVar:

NM_133259.4(LRPPRC):c.3275+7G>A

Gene: LRPPRC (leucine rich pentatricopeptide repeat containing; minus strand). Cytogenetic location: 2p21.
Variant type: single nucleotide variant.
Coding change: c.3275+7G>A on transcript NM_133259.4 (MANE Select); 7 bases into the intron after coding-DNA position 3275, G replaced by A.
Molecular consequence: intron variant.
Genome position (GRCh38, 1-based): chr2:43,912,425, C>T on the plus strand (G>A on the coding strand, the complement: LRPPRC is on the minus strand). VCF-style: chr2-43912425-C-T. GRCh37 (hg19) VCF-style: chr2-44139564-C-T.
Other names: p.?.
Identifiers: ClinVar variation 382109 (VCV000382109.23), dbSNP rs111392631, ClinGen allele CA1638133.

ClinVar aggregate classification (germline): Conflicting classifications of pathogenicity. Review status: criteria provided, conflicting classifications (1 of 4 stars). 8 submissions from 8 submitters: Uncertain significance (2); Benign (1); Likely benign (4). 1 of the submissions does not count toward it. Last evaluated 2026-01-31.

Conditions:
LRPPRC-related disorder. Also called: LRPPRC-related condition.
Congenital lactic acidosis, Saguenay-Lac-Saint-Jean type (MC4DN5). Also called: CYTOCHROME c OXIDASE DEFICIENCY, FRENCH CANADIAN TYPE; COX DEFICIENCY, FRENCH CANADIAN TYPE; MITOCHONDRIAL COMPLEX IV DEFICIENCY, NUCLEAR TYPE 5. Identifiers: Orphanet 70472, MedGen C1857355, MONDO:0009069, OMIM 220111.

Allele frequency attached by ClinVar (database versions not stated): gnomAD exomes 0.00039; ExAC 0.00057; 1000 Genomes Project 30x 0.00078; 1000 Genomes Project 0.00100; gnomAD 0.00144 and 0.00152; TOPMed 0.00174; ESP Exome Variant Server 0.00254.
gnomAD v4.1: 406 of 1,608,624 alleles (0.025%); highest among the groups gnomAD compares: African/African-American, 0.46%; no homozygotes.

Submissions (8):

Labcorp Genetics (formerly Invitae), Labcorp
Classification: Benign. Last evaluated: 2026-01-31. Review status: criteria provided, single submitter. Criteria: Invitae Variant Classification Sherloc (09022015). Collection method: clinical testing. Allele origin: germline.

PreventionGenetics, part of Exact Sciences
Classification: Likely benign for LRPPRC-related condition. Last evaluated: 2025-10-11. Review status: criteria provided, single submitter. Criteria: ACMG Guidelines, 2015. Collection method: clinical testing. Allele origin: germline.
Comment: This variant is classified as likely benign based on ACMG/AMP sequence variant interpretation guidelines (Richards et al. 2015 PMID: 25741868, with internal and published modifications).

Mayo Clinic Laboratories, Mayo Clinic
Classification: Likely benign. Last evaluated: 2024-12-13. Review status: criteria provided, single submitter. Criteria: ACMG Guidelines, 2015. Collection method: clinical testing. Allele origin: germline. Observed: 3 variant alleles.
Comment: BS1, BP4, BP7

Blueprint Genetics
Classification: Likely benign. Last evaluated: 2024-11-26. Review status: criteria provided, single submitter. Criteria: ACMG Guidelines, 2015. Collection method: clinical testing. Allele origin: germline.

Revvity Omics, Revvity
Classification: Uncertain significance for Congenital lactic acidosis, Saguenay-Lac-Saint-Jean type. Last evaluated: 2021-10-14. Review status: criteria provided, single submitter. Criteria: ACMG Guidelines, 2015. Collection method: clinical testing. Allele origin: germline.

GeneDx
Classification: Likely benign. Last evaluated: 2017-12-01. Review status: criteria provided, single submitter. Criteria: GeneDx Variant Classification (06012015). Collection method: clinical testing. Allele origin: germline. Affected: yes.
Comment: This variant is considered likely benign or benign based on one or more of the following criteria: it is a conservative change, it occurs at a poorly conserved position in the protein, it is predicted to be benign by multiple in silico algorithms, and/or has population frequency not consistent with disease.

Eurofins Ntd Llc (ga)
Classification: Uncertain significance. Last evaluated: 2017-05-30. Review status: criteria provided, single submitter. Criteria: EGL Classification Definitions 2015. Collection method: clinical testing. Allele origin: germline. Observed: 1 variant allele, 1 heterozygote.

Natera, Inc.
Classification: Uncertain significance for French-Canadian type Leigh syndrome. Last evaluated: 2020-01-17. Review status: no assertion criteria provided. Collection method: clinical testing. Allele origin: germline. Not counted in ClinVar's aggregate classification.